The following is an entry in ClinVar:

NM_004415.4(DSP):c.8526_8537del (p.2827SGSR[4])

Gene: DSP (desmoplakin; plus strand). Cytogenetic location: 6p24.3.
Variant type: Deletion.
Coding change: c.8526_8537del on transcript NM_004415.4 (MANE Select); coding-DNA positions 8526 to 8537, 12 bases deleted (CAGTGGGTCCCG).
Protein change: p.2827SGSR[4].
Genome position (GRCh38, 1-based): chr6:7,585,788-7,585,799, CAGTGGGTCCCG deleted; deleting any 12 consecutive bases within chr6:7,585,780-7,585,799 gives the same sequence; the c. name uses the placement nearest the transcript's 3' end. VCF-style (leftmost placement, unchanged base first): chr6-7585779-CGGGTCCCGCAGT-C. GRCh37 (hg19) VCF-style: chr6-7586012-CGGGTCCCGCAGT-C.
Other names: c.6729_6740del, p.2228SGSR[4] (NM_001008844.3); c.7197_7208del, p.2384SGSR[4] (NM_001319034.2).
Identifiers: ClinVar variation 4757507 (VCV004757507.2).

ClinVar aggregate classification (germline): Conflicting classifications of pathogenicity. Review status: criteria provided, conflicting classifications (1 of 4 stars). 2 submissions from 2 submitters: Uncertain significance (1); Likely benign (1). Last evaluated 2025-07-02.

Conditions:
Arrhythmogenic cardiomyopathy with wooly hair and keratoderma. Also called: PALMOPLANTAR KERATODERMA WITH LEFT VENTRICULAR CARDIOMYOPATHY AND WOOLLY HAIR; Dilated cardiomyopathy with woolly hair and keratoderma; Arrhythmogenic cardiomyopathy with woolly hair and keratoderma; Carvajal syndrome. Identifiers: Orphanet 65282, MedGen C1854063, MONDO:0011581, OMIM 605676.
Arrhythmogenic right ventricular dysplasia 8 (ARVD8). Also called: Arrhythmogenic Right Ventricular Dysplasia/Cardiomyopathy 8; ARRHYTHMOGENIC RIGHT VENTRICULAR DYSPLASIA, FAMILIAL, 8; ARRHYTHMOGENIC RIGHT VENTRICULAR CARDIOMYOPATHY 8. Identifiers: MedGen C1843896, MONDO:0011831, OMIM 607450.
Cardiomyopathy (CMYO). Also called: Cardiomyopathies. Identifiers: Orphanet 167848, MedGen C0878544, MONDO:0004994, HP:0001638. Inheritance: Various modes of inheritance.

Submissions (2):

Color Diagnostics, LLC DBA Color Health
Classification: Uncertain significance for Cardiomyopathy. Last evaluated: 2025-07-02. Review status: criteria provided, single submitter. Criteria: ACMG Guidelines, 2015. Collection method: clinical testing. Allele origin: germline.
Comment: This variant causes an in-frame deletion of four amino acids at exon 15 of the DSP protein. To our knowledge, functional studies have not been reported for this variant. This variant has not been reported in individuals affected with DSP-related disorders in the literature. This variant has not been identified in the general population by the Genome Aggregation Database (gnomAD). The available evidence is insufficient to determine the role of this variant in disease conclusively. Therefore, this variant is classified as a Variant of Uncertain Significance.

Labcorp Genetics (formerly Invitae), Labcorp
Classification: Likely benign for Arrhythmogenic cardiomyopathy with wooly hair and keratoderma; Arrhythmogenic right ventricular dysplasia 8. Last evaluated: 2025-06-23. Review status: criteria provided, single submitter. Criteria: Invitae Variant Classification Sherloc (09022015). Collection method: clinical testing. Allele origin: germline.